The following is an entry in ClinVar:

NM_005751.5(AKAP9):c.2425A>G (p.Ile809Val)

Gene: AKAP9 (A-kinase anchoring protein 9; plus strand). Cytogenetic location: 7q21.2.
Variant type: single nucleotide variant.
Coding change: c.2425A>G on transcript NM_005751.5 (MANE Select); coding-DNA position 2425, A replaced by G.
Protein change: p.Ile809Val; replaces isoleucine 809 with valine.
Molecular consequence: missense variant.
Genome position (GRCh38, 1-based): chr7:92,002,342, A>G. VCF-style: chr7-92002342-A-G. GRCh37 (hg19) VCF-style: chr7-91631656-A-G.
Other names: p.I809V:ATT>GTT; c.2425A>G, p.Ile809Val (NM_147185.3); short protein forms I809V.
Identifiers: ClinVar variation 190506 (VCV000190506.22), dbSNP rs144615758, ClinGen allele CA235634.

ClinVar aggregate classification (germline): Benign/Likely benign. Review status: criteria provided, multiple submitters, no conflicts (2 of 4 stars). 9 submissions from 9 submitters: Benign (3); Likely benign (5). 1 of the submissions does not count toward it. Last evaluated 2026-02-01.

Conditions:
AKAP9-related disorder. Also called: AKAP9-related condition.
Cardiovascular phenotype. Identifiers: MedGen CN230736.
Long QT syndrome (LQTS). Identifiers: MedGen C0023976, MeSH D008133, MONDO:0002442. Disease mechanism: loss of function. Inheritance: Various modes of inheritance.
Long QT syndrome 11 (LQT11). Identifiers: Orphanet 101016, Orphanet 768, MedGen C2678483, MONDO:0012738, OMIM 611820.

Allele frequency attached by ClinVar (database versions not stated): gnomAD exomes 0.00061; ExAC 0.00075; 1000 Genomes Project 0.00160; 1000 Genomes Project 30x 0.00187; ESP Exome Variant Server 0.00254; gnomAD 0.00268 and 0.00298; TOPMed 0.00318.
gnomAD v4.1: 793 of 1,612,990 alleles (0.049%); highest among the groups gnomAD compares: African/African-American, 0.94%; 1 homozygote.

Submissions (9):

Labcorp Genetics (formerly Invitae), Labcorp
Classification: Benign for Long QT syndrome. Last evaluated: 2026-02-01. Review status: criteria provided, single submitter. Criteria: Invitae Variant Classification Sherloc (09022015). Collection method: clinical testing. Allele origin: germline.

Blueprint Genetics
Classification: Likely benign. Last evaluated: 2024-02-20. Review status: criteria provided, single submitter. Criteria: ACMG Guidelines, 2015. Collection method: clinical testing. Allele origin: germline.

Genome-Nilou Lab
Classification: Benign for Long QT syndrome 11. Last evaluated: 2021-12-05. Review status: criteria provided, single submitter. Criteria: ACMG Guidelines, 2015. Collection method: clinical testing. Allele origin: germline. Affected: no.

Fulgent Genetics
Classification: Likely benign for Long QT syndrome 11. Last evaluated: 2021-08-09. Review status: criteria provided, single submitter. Criteria: ACMG Guidelines, 2015. Collection method: clinical testing. Allele origin: unknown.

Women's Health and Genetics/Laboratory Corporation of America, LabCorp
Classification: Benign. Last evaluated: 2021-03-15. Review status: criteria provided, single submitter. Criteria: LabCorp Variant Classification Summary - May 2015. Collection method: clinical testing. Allele origin: germline.
Comment: Variant summary: AKAP9 c.2425A>G (p.Ile809Val) results in a conservative amino acid change in the encoded protein sequence. Five of five in-silico tools predict a benign effect of the variant on protein function. The variant allele was found at a frequency of 0.00061 in 250678 control chromosomes, predominantly at a frequency of 0.0088 within the African or African-American subpopulation in the gnomAD database. The observed variant frequency within African or African-American control individuals in the gnomAD database is approximately 2640-fold of the estimated maximal expected allele frequency for a pathogenic variant in AKAP9 causing Long QT Syndrome phenotype (3.3e-06), strongly suggesting that the variant is a benign polymorphism found primarily in populations of African or African-American origin. To our knowledge, no occurrence of c.2425A>G in individuals affected with Long QT Syndrome and no experimental evidence demonstrating its impact on protein function have been reported. Three ClinVar submitters (evaluation after 2014) cite the variant as benign/likely benign. Based on the evidence outlined above, the variant was classified as benign.

Ambry Genetics
Classification: Likely benign for Cardiovascular phenotype. Last evaluated: 2018-12-03. Review status: criteria provided, single submitter. Criteria: Ambry Variant Classification Scheme 2023. Collection method: clinical testing. Allele origin: germline.

GeneDx
Classification: Likely benign. Last evaluated: 2016-10-25. Review status: criteria provided, single submitter. Criteria: GeneDx Variant Classification (06012015). Collection method: clinical testing. Allele origin: germline. Affected: yes.
Comment: This variant is considered likely benign or benign based on one or more of the following criteria: it is a conservative change, it occurs at a poorly conserved position in the protein, it is predicted to be benign by multiple in silico algorithms, and/or has population frequency not consistent with disease.

Biesecker Lab/Clinical Genomics Section, National Institutes of Health
Classification: Likely benign. Last evaluated: 2013-06-24. Review status: criteria provided, single submitter. Criteria: Ng et al. (Circ Cardiovasc Genet. 2013). Collection method: research. Allele origin: unknown. Observed: 1 variant allele. Study: ClinSeq.
Comment: The study set was not selected for affection status in relation to any cancer. Pathogenicity categories were based on literature curation. See Pubmed ID:23861362 for details.

Medical sequencing

PreventionGenetics, part of Exact Sciences
Classification: Benign for AKAP9-related condition. Last evaluated: 2019-10-28. Review status: no assertion criteria provided. Collection method: clinical testing. Allele origin: germline. Not counted in ClinVar's aggregate classification.
Comment: This variant is classified as benign based on ACMG/AMP sequence variant interpretation guidelines (Richards et al. 2015 PMID: 25741868, with internal and published modifications).

Literature cited by the submitters: PubMed 23861362 (cited by Ambry Genetics).